The following is an entry in ClinVar:

ClinVar aggregate classification (germline): Uncertain significance (1 of 4 stars; one submission).

Conditions:
Hereditary cancer-predisposing syndrome. Also called: Tumor predisposition; Neoplastic Syndromes, Hereditary; Hereditary Cancer Syndrome; Hereditary neoplastic syndrome. Identifiers: Orphanet 140162, MedGen C0027672, MeSH D009386, MONDO:0015356.

Submission:

Ambry Genetics
Classification: Uncertain significance for Hereditary cancer-predisposing syndrome. Last evaluated: 2024-11-11. Review status: criteria provided, single submitter. Criteria: Ambry Variant Classification Scheme 2023. Collection method: clinical testing. Allele origin: germline.
Comment: The p.N1162D variant (also known as c.3484A>G), located in coding exon 17 of the BLM gene, results from an A to G substitution at nucleotide position 3484. The asparagine at codon 1162 is replaced by aspartic acid, an amino acid with highly similar properties. This amino acid position is conserved. In addition, this alteration is predicted to be tolerated by in silico analysis. Based on the available evidence, the clinical significance of this variant remains unclear.

NM_000057.4(BLM):c.3484A>G (p.Asn1162Asp)

Gene: BLM (BLM RecQ like helicase; plus strand). Cytogenetic location: 15q26.1.
Variant type: single nucleotide variant.
Coding change: c.3484A>G on transcript NM_000057.4 (MANE Select); coding-DNA position 3484, A replaced by G.
Protein change: p.Asn1162Asp; replaces asparagine 1162 with aspartic acid.
Molecular consequence: missense variant. On other transcripts: intron variant (1).
Genome position (GRCh38, 1-based): chr15:90,803,646, A>G. VCF-style: chr15-90803646-A-G. GRCh37 (hg19) VCF-style: chr15-91346876-A-G.
Other names: c.3484A>G, p.Asn1162Asp (NM_001287246.2); c.2359A>G, p.Asn787Asp (NM_001287248.2); c.3358+5309A>G (NM_001287247.2); short protein forms N787D, N1162D.
Identifiers: ClinVar variation 3480898 (VCV003480898.1).